The following is an entry in ClinVar:

ClinVar aggregate classification (germline): Uncertain significance (1 of 4 stars; one submission).

Submission:

Labcorp Genetics (formerly Invitae), Labcorp
Classification: Uncertain significance. Last evaluated: 2023-08-11. Review status: criteria provided, single submitter. Criteria: Invitae Variant Classification Sherloc (09022015). Collection method: clinical testing. Allele origin: germline.
Comment: This sequence change replaces glutamine, which is neutral and polar, with proline, which is neutral and non-polar, at codon 729 of the PDE6B protein (p.Gln729Pro). This variant is not present in population databases (gnomAD no frequency). This variant has not been reported in the literature in individuals affected with PDE6B-related conditions. Advanced modeling of protein sequence and biophysical properties (such as structural, functional, and spatial information, amino acid conservation, physicochemical variation, residue mobility, and thermodynamic stability) performed at Invitae indicates that this missense variant is expected to disrupt PDE6B protein function. In summary, the available evidence is currently insufficient to determine the role of this variant in disease. Therefore, it has been classified as a Variant of Uncertain Significance.

NM_000283.4(PDE6B):c.2186A>C (p.Gln729Pro)

Gene: PDE6B (phosphodiesterase 6B; plus strand). Cytogenetic location: 4p16.3.
Variant type: single nucleotide variant.
Coding change: c.2186A>C on transcript NM_000283.4 (MANE Select); coding-DNA position 2186, A replaced by C.
Protein change: p.Gln729Pro; replaces glutamine 729 with proline.
Molecular consequence: missense variant.
Genome position (GRCh38, 1-based): chr4:664,937, A>C. VCF-style: chr4-664937-A-C. GRCh37 (hg19) VCF-style: chr4-658726-A-C.
Other names: c.2186A>C, p.Gln729Pro (NM_001145291.2); c.1349A>C, p.Gln450Pro (NM_001145292.2, NM_001350154.3, NM_001379246.1 and 1 more transcripts); c.1031A>C, p.Gln344Pro (NM_001350155.3); short protein forms Q450P, Q344P, Q729P.
Identifiers: ClinVar variation 2752167 (VCV002752167.3), dbSNP rs1737613715, ClinGen allele CA355919789.